The following is an entry in ClinVar:

NM_003560.4(PLA2G6):c.17G>A (p.Arg6His)

Gene: PLA2G6 (phospholipase A2 group VI; minus strand). Cytogenetic location: 22q13.1.
Variant type: single nucleotide variant.
Coding change: c.17G>A on transcript NM_003560.4 (MANE Select); coding-DNA position 17, G replaced by A.
Protein change: p.Arg6His; replaces arginine 6 with histidine.
Molecular consequence: missense variant. On other transcripts: 5 prime UTR variant (3).
Genome position (GRCh38, 1-based): chr22:38,169,410, C>T on the plus strand (G>A on the coding strand, the complement: PLA2G6 is on the minus strand). VCF-style: chr22-38169410-C-T. GRCh37 (hg19) VCF-style: chr22-38565417-C-T.
Other names: c.17G>A, p.Arg6His (NM_001349864.2, NM_001349865.2, NM_001349866.2 and 2 more transcripts); c.-649G>A (NM_001349867.2, NM_001349869.2); c.-474G>A (NM_001349868.2); short protein forms R6H.
Identifiers: ClinVar variation 2194622 (VCV002194622.1), dbSNP rs972496588, ClinGen allele CA324187116.

ClinVar aggregate classification (germline): Uncertain significance (1 of 4 stars; one submission).

Conditions:
Infantile neuroaxonal dystrophy (NBIA2A). Also called: NEURODEGENERATION WITH BRAIN IRON ACCUMULATION 2A; SEITELBERGER DISEASE; Infantile neuroaxonal dystrophy 1. Identifiers: Orphanet 35069, MedGen C0270724, MONDO:0024457, OMIM 256600.

Allele frequency attached by ClinVar (database versions not stated): TOPMed 0.00004; gnomAD 0.00001; gnomAD exomes 0.00002.

Submission:

Labcorp Genetics (formerly Invitae), Labcorp
Classification: Uncertain significance for Infantile neuroaxonal dystrophy. Last evaluated: 2022-07-20. Review status: criteria provided, single submitter. Criteria: Invitae Variant Classification Sherloc (09022015). Collection method: clinical testing. Allele origin: germline.
Comment: This sequence change replaces arginine, which is basic and polar, with histidine, which is basic and polar, at codon 6 of the PLA2G6 protein (p.Arg6His). This variant is present in population databases (no rsID available, gnomAD 0.009%). This variant has not been reported in the literature in individuals affected with PLA2G6-related conditions. Advanced modeling of protein sequence and biophysical properties (such as structural, functional, and spatial information, amino acid conservation, physicochemical variation, residue mobility, and thermodynamic stability) performed at Invitae indicates that this missense variant is expected to disrupt PLA2G6 protein function. In summary, the available evidence is currently insufficient to determine the role of this variant in disease. Therefore, it has been classified as a Variant of Uncertain Significance.